The following is an entry in ClinVar:

NM_182914.3(SYNE2):c.19323C>T (p.Ser6441=)

Gene: SYNE2 (spectrin repeat containing nuclear envelope protein 2; plus strand). Cytogenetic location: 14q23.2.
Variant type: single nucleotide variant.
Coding change: c.19323C>T on transcript NM_182914.3 (MANE Select); coding-DNA position 19323, C replaced by T.
Protein change: p.Ser6441=; no amino-acid change (serine 6441 retained).
Molecular consequence: synonymous variant.
Genome position (GRCh38, 1-based): chr14:64,214,460, C>T. VCF-style: chr14-64214460-C-T. GRCh37 (hg19) VCF-style: chr14-64681178-C-T.
Other names: c.19323C>T, p.Ser6441= (NM_015180.6); c.225C>T, p.Ser75= (NM_182913.4).
Identifiers: ClinVar variation 282816 (VCV000282816.23), dbSNP rs186839881, ClinGen allele CA7224375.

ClinVar aggregate classification (germline): Conflicting classifications of pathogenicity. Review status: criteria provided, conflicting classifications (1 of 4 stars). 6 submissions from 6 submitters: Uncertain significance (1); Benign (1); Likely benign (3). 1 of the submissions does not count toward it. Last evaluated 2025-11-18.

Conditions:
SYNE2-related disorder. Also called: SYNE2-related condition.
Emery-Dreifuss muscular dystrophy 5, autosomal dominant (EDMD5). Also called: EMERY-DREIFUSS MUSCULAR DYSTROPHY 5. Identifiers: Orphanet 261, MedGen C2751805, MONDO:0013072, OMIM 612999.

Allele frequency attached by ClinVar (database versions not stated): gnomAD 0.00009 and 0.00011; gnomAD exomes 0.00019 and 0.00035; ExAC 0.00034; 1000 Genomes Project 30x 0.00078; 1000 Genomes Project 0.00080.
gnomAD v4.1: 287 of 1,612,588 alleles (0.018%); highest among the groups gnomAD compares: East Asian, 0.096%; no homozygotes.

Submissions (6):

Labcorp Genetics (formerly Invitae), Labcorp
Classification: Likely benign for Emery-Dreifuss muscular dystrophy 5, autosomal dominant. Last evaluated: 2025-11-18. Review status: criteria provided, single submitter. Criteria: Invitae Variant Classification Sherloc (09022015). Collection method: clinical testing. Allele origin: germline.

Ambry Genetics
Classification: Likely benign. Last evaluated: 2025-01-23. Review status: criteria provided, single submitter. Criteria: Ambry Variant Classification Scheme 2023. Collection method: clinical testing. Allele origin: germline.

Blueprint Genetics
Classification: Likely benign. Last evaluated: 2024-05-23. Review status: criteria provided, single submitter. Criteria: ACMG Guidelines, 2015. Collection method: clinical testing. Allele origin: germline.

Illumina Laboratory Services, Illumina
Classification: Benign for Emery-Dreifuss muscular dystrophy 5, autosomal dominant. Last evaluated: 2018-01-13. Review status: criteria provided, single submitter. Criteria: ICSL Variant Classification Criteria 13 December 2019. Collection method: clinical testing. Allele origin: germline.
Comment: This variant was observed in the ICSL laboratory as part of a predisposition screen in an ostensibly healthy population. It had not been previously curated by ICSL or reported in the Human Gene Mutation Database (HGMD: prior to June 1st, 2018), and was therefore a candidate for classification through an automated scoring system. Utilizing variant allele frequency, disease prevalence and penetrance estimates, and inheritance mode, an automated score was calculated to assess if this variant is too frequent to cause the disease. Based on the score and internal cut-off values, a variant classified as benign is not then subjected to further curation. The score for this variant resulted in a classification of benign for this disease.

Eurofins Ntd Llc (ga)
Classification: Uncertain significance. Last evaluated: 2015-08-17. Review status: criteria provided, single submitter. Criteria: EGL Classification Definitions 2015. Collection method: clinical testing. Allele origin: germline. Observed: 2 variant alleles, 2 heterozygotes.

PreventionGenetics, part of Exact Sciences
Classification: Likely benign for SYNE2-related condition. Last evaluated: 2019-07-25. Review status: no assertion criteria provided. Collection method: clinical testing. Allele origin: germline. Not counted in ClinVar's aggregate classification.
Comment: This variant is classified as likely benign based on ACMG/AMP sequence variant interpretation guidelines (Richards et al. 2015 PMID: 25741868, with internal and published modifications).